The following is an entry in ClinVar:

NM_022095.4(ZNF335):c.100G>A (p.Ala34Thr)

Gene: ZNF335 (zinc finger protein 335; minus strand). Cytogenetic location: 20q13.12.
Variant type: single nucleotide variant.
Coding change: c.100G>A on transcript NM_022095.4 (MANE Select); coding-DNA position 100, G replaced by A.
Protein change: p.Ala34Thr; replaces alanine 34 with threonine.
Molecular consequence: missense variant.
Genome position (GRCh38, 1-based): chr20:45,971,311, C>T on the plus strand (G>A on the coding strand, the complement: ZNF335 is on the minus strand). VCF-style: chr20-45971311-C-T. GRCh37 (hg19) VCF-style: chr20-44599950-C-T.
Other names: short protein forms A34T.
Identifiers: ClinVar variation 1404433 (VCV001404433.8), dbSNP rs2145425447, ClinGen allele CA409199340.
Genomic context (GRCh38, chr20:45,971,311, plus strand): 5'-AGTCATCGGCCTCTGCCTGCCCCGGGGCGGCCGCGGCGTCGCTGCTGTCGGCGGACACGG[C>T]TTCTGAGGTGCCCACACCCAGGCCGCTCTCAGAGGGCTCCTCGGGCCGGCCAGGCCCAGG-3'
Protein context (NP_071378.1, residues 24-44): ESGLGVGTSE[Ala34Thr]VSADSSDAAA

ClinVar aggregate classification (germline): Uncertain significance (1 of 4 stars; one submission).

Submission:

Labcorp Genetics (formerly Invitae), Labcorp
Classification: Uncertain significance. Last evaluated: 2022-08-16. Review status: criteria provided, single submitter. Criteria: Invitae Variant Classification Sherloc (09022015). Collection method: clinical testing. Allele origin: germline.
Comment: ClinVar contains an entry for this variant (Variation ID: 1404433). Algorithms developed to predict the effect of missense changes on protein structure and function are either unavailable or do not agree on the potential impact of this missense change (SIFT: "Deleterious"; PolyPhen-2: "Possibly Damaging"; Align-GVGD: "Class C0"). In summary, the available evidence is currently insufficient to determine the role of this variant in disease. Therefore, it has been classified as a Variant of Uncertain Significance. This variant has not been reported in the literature in individuals affected with ZNF335-related conditions. This variant is not present in population databases (gnomAD no frequency). This sequence change replaces alanine, which is neutral and non-polar, with threonine, which is neutral and polar, at codon 34 of the ZNF335 protein (p.Ala34Thr).